The following is an entry in ClinVar:

ClinVar aggregate classification (germline): Uncertain significance (1 of 4 stars; one submission).

Conditions:
Menke-Hennekam syndrome 1 (MKHK1). Identifiers: MedGen C5193034, MONDO:0020763, OMIM 618332.
Rubinstein-Taybi syndrome due to CREBBP mutations (RSTS1). Also called: BROAD THUMB-HALLUX SYNDROME; CREBBP-Related Rubinstein-Taybi Syndrome; RUBINSTEIN-TAYBI SYNDROME 1, INCOMPLETE; RUBINSTEIN SYNDROME; Rubinstein-Taybi syndrome 1; BROAD THUMBS AND GREAT TOES, CHARACTERISTIC FACIES, AND IMPAIRED INTELLECTUAL DEVELOPMENT. Identifiers: Orphanet 353277, Orphanet 783, MedGen C4551859, MONDO:0008393, OMIM 180849.

Submission:

Institute of Immunology and Genetics Kaiserslautern
Classification: Uncertain significance for Menke-Hennekam syndrome 1; Rubinstein-Taybi syndrome due to CREBBP mutations. Last evaluated: 2024-09-13. Review status: criteria provided, single submitter. Criteria: ACMG Guidelines, 2015. Collection method: clinical testing. Allele origin: germline. Affected: yes.
Comment: ACMG Criteria: PM2_P, PP3; Variant was found in heterozygous state

NM_004380.3(CREBBP):c.4540C>T (p.Arg1514Trp)

Gene: CREBBP (CREB binding lysine acetyltransferase; minus strand). Cytogenetic location: 16p13.3.
Variant type: single nucleotide variant.
Coding change: c.4540C>T on transcript NM_004380.3 (MANE Select); coding-DNA position 4540, C replaced by T.
Protein change: p.Arg1514Trp; replaces arginine 1514 with tryptophan.
Molecular consequence: missense variant.
Genome position (GRCh38, 1-based): chr16:3,736,670, G>A on the plus strand (C>T on the coding strand, the complement: CREBBP is on the minus strand). VCF-style: chr16-3736670-G-A. GRCh37 (hg19) VCF-style: chr16-3786671-G-A.
Other names: c.4426C>T, p.Arg1476Trp (NM_001079846.1); short protein forms R1476W, R1514W.
Identifiers: ClinVar variation 3366953 (VCV003366953.1).